The following is an entry in ClinVar:

NM_004370.6(COL12A1):c.1988A>G (p.His663Arg)

Gene: COL12A1 (collagen type XII alpha 1 chain; minus strand). Cytogenetic location: 6q13.
Variant type: single nucleotide variant.
Coding change: c.1988A>G on transcript NM_004370.6 (MANE Select); coding-DNA position 1988, A replaced by G.
Protein change: p.His663Arg; replaces histidine 663 with arginine.
Molecular consequence: missense variant. On other transcripts: intron variant (1).
Genome position (GRCh38, 1-based): chr6:75,181,115, T>C on the plus strand (A>G on the coding strand, the complement: COL12A1 is on the minus strand). VCF-style: chr6-75181115-T-C. GRCh37 (hg19) VCF-style: chr6-75890831-T-C.
Other names: c.73+21605A>G (NM_080645.3); short protein forms H663R.
Identifiers: ClinVar variation 542480 (VCV000542480.18), dbSNP rs764241362, ClinGen allele CA3894086.

ClinVar aggregate classification (germline): Conflicting classifications of pathogenicity. Review status: criteria provided, conflicting classifications (1 of 4 stars). 4 submissions from 4 submitters: Uncertain significance (3); Likely benign (1). Last evaluated 2025-11-23.

Conditions:
Inborn genetic diseases. Identifiers: MedGen C0950123, MeSH D030342.
Ullrich congenital muscular dystrophy 2 (UCMD2). Identifiers: Orphanet 75840, MedGen C4225314, MONDO:0014654, OMIM 616470.
Bethlem myopathy 2 (BTHLM2). Identifiers: Orphanet 536516, Orphanet 610, MedGen C4225313, MONDO:0034022, OMIM 616471.

Allele frequency attached by ClinVar (database versions not stated): gnomAD exomes 0.00004 and 0.00003; gnomAD 0.00002; TOPMed 0.00002; ExAC 0.00003.
gnomAD v4.1: 46 of 1,613,502 alleles (0.0029%); highest among the groups gnomAD compares: Admixed American, 0.0017%; no homozygotes.

Submissions (4):

Labcorp Genetics (formerly Invitae), Labcorp
Classification: Likely benign for Bethlem myopathy 2; Ullrich congenital muscular dystrophy 2. Last evaluated: 2025-11-23. Review status: criteria provided, single submitter. Criteria: Invitae Variant Classification Sherloc (09022015). Collection method: clinical testing. Allele origin: germline.

Ambry Genetics
Classification: Uncertain significance for Inborn genetic diseases. Last evaluated: 2024-10-21. Review status: criteria provided, single submitter. Criteria: Ambry Variant Classification Scheme 2023. Collection method: clinical testing. Allele origin: germline.

GeneDx
Classification: Uncertain significance. Last evaluated: 2022-11-30. Review status: criteria provided, single submitter. Criteria: GeneDx Variant Classification Process June 2021. Collection method: clinical testing. Allele origin: germline. Affected: yes.
Comment: In silico analysis supports that this missense variant does not alter protein structure/function; Has not been previously published as pathogenic or benign to our knowledge

Revvity Omics, Revvity
Classification: Uncertain significance. Last evaluated: 2022-01-07. Review status: criteria provided, single submitter. Criteria: ACMG Guidelines, 2015. Collection method: clinical testing. Allele origin: germline.